The following is an entry in ClinVar:

NM_145207.3(AFG2A):c.1193C>T (p.Thr398Ile)

Gene: AFG2A (AFG2 AAA ATPase homolog A; plus strand). Cytogenetic location: 4q28.1.
Variant type: single nucleotide variant.
Coding change: c.1193C>T on transcript NM_145207.3 (MANE Select); coding-DNA position 1193, C replaced by T.
Protein change: p.Thr398Ile; replaces threonine 398 with isoleucine.
Molecular consequence: missense variant.
Genome position (GRCh38, 1-based): chr4:122,935,759, C>T. VCF-style: chr4-122935759-C-T. GRCh37 (hg19) VCF-style: chr4-123856914-C-T.
Other names: c.1190C>T, p.Thr397Ile (NM_001317799.2, NM_001345856.2); short protein forms T397I, T398I.
Identifiers: ClinVar variation 2146460 (VCV002146460.1), dbSNP rs766836127, ClinGen allele CA3070391.

ClinVar aggregate classification (germline): Uncertain significance (1 of 4 stars; one submission).

Conditions:
Microcephaly-intellectual disability-sensorineural hearing loss-epilepsy-abnormal muscle tone syndrome (NEDHSB). Also called: NEURODEVELOPMENTAL DISORDER WITH HEARING LOSS, SEIZURES, AND BRAIN ABNORMALITIES. Identifiers: Orphanet 457351, MedGen C4225276, MONDO:0014698, OMIM 616577.

Allele frequency attached by ClinVar (database versions not stated): gnomAD exomes below 0.00001; TOPMed below 0.00001; gnomAD 0.00001; ExAC 0.00002.
gnomAD v4.1: 6 of 1,612,210 alleles (0.00037%); highest among the groups gnomAD compares: Admixed American, 0.005%; no homozygotes.

Submission:

Labcorp Genetics (formerly Invitae), Labcorp
Classification: Uncertain significance for Microcephaly-intellectual disability-sensorineural hearing loss-epilepsy-abnormal muscle tone syndrome. Last evaluated: 2022-07-14. Review status: criteria provided, single submitter. Criteria: Invitae Variant Classification Sherloc (09022015). Collection method: clinical testing. Allele origin: germline.
Comment: This sequence change replaces threonine, which is neutral and polar, with isoleucine, which is neutral and non-polar, at codon 398 of the SPATA5 protein (p.Thr398Ile). This variant is present in population databases (rs766836127, gnomAD 0.006%). This variant has not been reported in the literature in individuals affected with SPATA5-related conditions. Advanced modeling of protein sequence and biophysical properties (such as structural, functional, and spatial information, amino acid conservation, physicochemical variation, residue mobility, and thermodynamic stability) performed at Invitae indicates that this missense variant is expected to disrupt SPATA5 protein function. In summary, the available evidence is currently insufficient to determine the role of this variant in disease. Therefore, it has been classified as a Variant of Uncertain Significance.